The following is an entry in ClinVar:

NM_201253.3(CRB1):c.2635G>A (p.Val879Ile)

Gene: CRB1 (crumbs cell polarity complex component 1; plus strand). Cytogenetic location: 1q31.3.
Variant type: single nucleotide variant.
Coding change: c.2635G>A on transcript NM_201253.3 (MANE Select); coding-DNA position 2635, G replaced by A.
Protein change: p.Val879Ile; replaces valine 879 with isoleucine.
Molecular consequence: missense variant. On other transcripts: non-coding transcript variant (2), intron variant (1).
Genome position (GRCh38, 1-based): chr1:197,427,960, G>A. VCF-style: chr1-197427960-G-A. GRCh37 (hg19) VCF-style: chr1-197397090-G-A.
Other names: c.2299G>A, p.Val767Ile (NM_001193640.2); c.2428G>A, p.Val810Ile (NM_001257965.2); c.2128+6004G>A (NM_001257966.2); short protein forms V767I, V810I, V879I.
Identifiers: ClinVar variation 2142884 (VCV002142884.1), dbSNP rs200313756, ClinGen allele CA1312151.

ClinVar aggregate classification (germline): Uncertain significance (1 of 4 stars; one submission).

Conditions:
Retinitis pigmentosa 12 (RP12). Also called: RP WITH OR WITHOUT PPRPE; RP WITH OR WITHOUT PRESERVED PARAARTERIOLE RETINAL PIGMENT EPITHELIUM; RETINITIS PIGMENTOSA WITH OR WITHOUT PARAARTERIOLAR PRESERVATION OF RETINAL PIGMENT EPITHELIUM. Identifiers: Orphanet 791, MedGen C1838647, MONDO:0010818, OMIM 600105.
Leber congenital amaurosis 8 (LCA8). Identifiers: Orphanet 65, MedGen C3151202, MONDO:0013453, OMIM 613835.

Allele frequency attached by ClinVar (database versions not stated): gnomAD exomes below 0.00001; ExAC 0.00001; gnomAD 0.00002; 1000 Genomes Project 30x 0.00016; 1000 Genomes Project 0.00020.
gnomAD v4.1: 5 of 1,613,954 alleles (0.00031%); highest among the groups gnomAD compares: African/African-American, 0.0053%; no homozygotes.

Submission:

Labcorp Genetics (formerly Invitae), Labcorp
Classification: Uncertain significance for Leber congenital amaurosis 8; Retinitis pigmentosa 12. Last evaluated: 2022-06-11. Review status: criteria provided, single submitter. Criteria: Invitae Variant Classification Sherloc (09022015). Collection method: clinical testing. Allele origin: germline.
Comment: This sequence change replaces valine, which is neutral and non-polar, with isoleucine, which is neutral and non-polar, at codon 879 of the CRB1 protein (p.Val879Ile). This variant is present in population databases (rs200313756, gnomAD 0.008%). This variant has not been reported in the literature in individuals affected with CRB1-related conditions. Advanced modeling of protein sequence and biophysical properties (such as structural, functional, and spatial information, amino acid conservation, physicochemical variation, residue mobility, and thermodynamic stability) performed at Invitae indicates that this missense variant is not expected to disrupt CRB1 protein function. In summary, the available evidence is currently insufficient to determine the role of this variant in disease. Therefore, it has been classified as a Variant of Uncertain Significance.